The following is an entry in ClinVar:

NC_000001.10:g.(?_156084710)_(156085085_?)dup

Gene: LMNA (lamin A/C; plus strand). Cytogenetic location: 1q22.
Variant type: Duplication.
Identifiers: ClinVar variation 2427464 (VCV002427464.4).

ClinVar aggregate classification (germline): Uncertain significance (1 of 4 stars; one submission).

Conditions:
Charcot-Marie-Tooth disease type 2. Also called: Charcot-Marie-Tooth type 2. Identifiers: Orphanet 64746, MedGen C0270914, MONDO:0018993.

Submission:

Labcorp Genetics (formerly Invitae), Labcorp
Classification: Uncertain significance for Charcot-Marie-Tooth disease type 2. Last evaluated: 2023-01-20. Review status: criteria provided, single submitter. Criteria: Invitae Variant Classification Sherloc (09022015). Collection method: clinical testing. Allele origin: germline.
Comment: In summary, the available evidence is currently insufficient to determine the role of this variant in disease. Therefore, it has been classified as a Variant of Uncertain Significance. Experimental studies and prediction algorithms are not available or were not evaluated, and the functional significance of this variant is currently unknown. This variant has not been reported in the literature in individuals affected with LMNA-related conditions. This variant results in a copy number gain of the genomic region encompassing exon(s) 1 of the LMNA gene. This region includes the initiator codon of the gene. This copy number gain extends beyond the assayed region for this gene and therefore may encompass additional genes. As the precise location of this event is unknown, it may be in tandem or it may be located elsewhere in the genome.